The following is an entry in ClinVar:

NM_002473.6(MYH9):c.1201G>A (p.Val401Ile)

Gene: MYH9 (myosin heavy chain 9; minus strand). Cytogenetic location: 22q12.3.
Variant type: single nucleotide variant.
Coding change: c.1201G>A on transcript NM_002473.6 (MANE Select); coding-DNA position 1201, G replaced by A.
Protein change: p.Val401Ile; replaces valine 401 with isoleucine.
Molecular consequence: missense variant.
Genome position (GRCh38, 1-based): chr22:36,318,233, C>T on the plus strand (G>A on the coding strand, the complement: MYH9 is on the minus strand). VCF-style: chr22-36318233-C-T. GRCh37 (hg19) VCF-style: chr22-36714278-C-T.
Other names: c.1201G>A (NM_002473.5); short protein forms V401I.
Identifiers: ClinVar variation 1404635 (VCV001404635.12), dbSNP rs369581570, ClinGen allele CA10210355.

ClinVar aggregate classification (germline): Conflicting classifications of pathogenicity. Review status: criteria provided, conflicting classifications (1 of 4 stars). 3 submissions from 3 submitters: Uncertain significance (2); Likely benign (1). Last evaluated 2025-12-25.

Conditions:
MYH9-related disorder. Identifiers: MedGen C1854520.
Autosomal dominant nonsyndromic hearing loss 17. Also called: Deafness, autosomal dominant 17; Autosomal dominant nonsyndromic deafness 17. Identifiers: Orphanet 90635, MedGen C1863659, MONDO:0011350, OMIM 603622.
Macrothrombocytopenia and granulocyte inclusions with or without nephritis or sensorineural hearing loss (MATINS). Also called: MACROTHROMBOCYTOPENIA WITH LEUKOCYTE INCLUSIONS; MACROTHROMBOCYTOPENIA, NEPHRITIS, AND DEAFNESS; MACROTHROMBOCYTOPENIA, NEPHRITIS, DEAFNESS, AND LEUKOCYTE INCLUSIONS; ALPORT SYNDROME WITH MACROTHROMBOCYTOPENIA; Fechtner syndrome; Epstein syndrome. Identifiers: Orphanet 182050, MedGen C5200934, MONDO:0015912, OMIM 155100.

Allele frequency attached by ClinVar (database versions not stated): gnomAD exomes 0.00002 and 0.00005; gnomAD 0.00003 and 0.00004; ExAC 0.00004; TOPMed 0.00006.
gnomAD v4.1: 35 of 1,613,762 alleles (0.0022%); highest among the groups gnomAD compares: Admixed American, 0.023%; no homozygotes.

Submissions (3):

Labcorp Genetics (formerly Invitae), Labcorp
Classification: Likely benign. Last evaluated: 2025-12-25. Review status: criteria provided, single submitter. Criteria: Invitae Variant Classification Sherloc (09022015). Collection method: clinical testing. Allele origin: germline.

PreventionGenetics, part of Exact Sciences
Classification: Uncertain significance for MYH9-related condition. Last evaluated: 2025-06-04. Review status: criteria provided, single submitter. Criteria: ACMG Guidelines, 2015. Collection method: clinical testing. Allele origin: germline.
Comment: The MYH9 c.1201G>A variant is predicted to result in the amino acid substitution p.Val401Ile. This variant has been observed in heterozygous state in an individual with hearing loss (Table S2, Ma et al. 2023. PubMed ID: 36597107). This variant is reported in 0.023% of alleles in individuals of Latino descent in gnomAD. Although we suspect that this variant may be benign, at this time, the clinical significance of this variant is uncertain due to the absence of conclusive functional and genetic evidence.

Fulgent Genetics
Classification: Uncertain significance for Macrothrombocytopenia and granulocyte inclusions with or without nephritis or sensorineural hearing loss; Autosomal dominant nonsyndromic hearing loss 17. Last evaluated: 2024-05-29. Review status: criteria provided, single submitter. Criteria: ACMG Guidelines, 2015. Collection method: clinical testing. Allele origin: germline.